The following is an entry in ClinVar:

NM_033337.3(CAV3):c.40G>A (p.Val14Ile)

Gene: CAV3 (caveolin 3; plus strand). Cytogenetic location: 3p25.3.
Variant type: single nucleotide variant.
Coding change: c.40G>A on transcript NM_033337.3 (MANE Select); coding-DNA position 40, G replaced by A.
Protein change: p.Val14Ile; replaces valine 14 with isoleucine.
Molecular consequence: missense variant.
Genome position (GRCh38, 1-based): chr3:8,733,916, G>A. VCF-style: chr3-8733916-G-A. GRCh37 (hg19) VCF-style: chr3-8775602-G-A.
Other names: p.V14I:GTC>ATC; c.40G>A, p.Val14Ile (NM_001234.5); short protein forms V14I.
Identifiers: ClinVar variation 162827 (VCV000162827.54), dbSNP rs121909281, ClinGen allele CA175387.

ClinVar aggregate classification (germline): Conflicting classifications of pathogenicity. Review status: criteria provided, conflicting classifications (1 of 4 stars). 11 submissions from 11 submitters: Uncertain significance (1); Benign (2); Likely benign (8). Last evaluated 2026-01-31.

Conditions:
Cardiovascular phenotype. Identifiers: MedGen CN230736.
Long QT syndrome (LQTS). Identifiers: MedGen C0023976, MeSH D008133, MONDO:0002442. Disease mechanism: loss of function. Inheritance: Various modes of inheritance.
Cardiomyopathy (CMYO). Also called: Cardiomyopathies. Identifiers: Orphanet 167848, MedGen C0878544, MONDO:0004994, HP:0001638. Inheritance: Various modes of inheritance.

Allele frequency attached by ClinVar (database versions not stated): gnomAD exomes 0.00020 and 0.00043; ExAC 0.00052; gnomAD 0.00084 and 0.00088; 1000 Genomes Project 30x 0.00094; TOPMed 0.00100; 1000 Genomes Project 0.00120.
gnomAD v4.1: 434 of 1,613,380 alleles (0.027%); highest among the groups gnomAD compares: African/African-American, 0.25%; 2 homozygotes.

Submissions (11):

Labcorp Genetics (formerly Invitae), Labcorp
Classification: Likely benign for Long QT syndrome. Last evaluated: 2026-01-31. Review status: criteria provided, single submitter. Criteria: Invitae Variant Classification Sherloc (09022015). Collection method: clinical testing. Allele origin: germline.

Mayo Clinic Laboratories, Mayo Clinic
Classification: Likely benign. Last evaluated: 2025-09-16. Review status: criteria provided, single submitter. Criteria: ACMG Guidelines, 2015. Collection method: clinical testing. Allele origin: germline. Observed: 1 variant allele.
Comment: BS1, BP4

Blueprint Genetics
Classification: Likely benign. Last evaluated: 2024-08-06. Review status: criteria provided, single submitter. Criteria: ACMG Guidelines, 2015. Collection method: clinical testing. Allele origin: germline.

CeGaT Center for Human Genetics Tuebingen
Classification: Likely benign. Last evaluated: 2022-08-01. Review status: criteria provided, single submitter. Criteria: CeGaT Center For Human Genetics Tuebingen Variant Classification Criteria Version 2. Collection method: clinical testing. Allele origin: germline. Affected: yes. Observed: 1 variant allele.
Comment: CAV3: BP4, BS1

Athena Diagnostics
Classification: Likely benign. Last evaluated: 2020-11-10. Review status: criteria provided, single submitter. Criteria: Athena Diagnostics criteria. Collection method: clinical testing. Allele origin: unknown.

GeneDx
Classification: Benign. Last evaluated: 2020-09-25. Review status: criteria provided, single submitter. Criteria: GeneDx Variant Classification Process June 2021. Collection method: clinical testing. Allele origin: germline. Affected: yes.
Comment: This variant is associated with the following publications: (PMID: 25351510, 27312022, 26159999, 27066573)

CHEO Genetics Diagnostic Laboratory, Children's Hospital of Eastern Ontario
Classification: Likely benign for Cardiomyopathy. Last evaluated: 2020-09-01. Review status: criteria provided, single submitter. Criteria: ACMG Guidelines, 2015. Collection method: clinical testing. Allele origin: germline. Study: Canadian Open Genetics Repository.

Women's Health and Genetics/Laboratory Corporation of America, LabCorp
Classification: Benign. Last evaluated: 2019-04-30. Review status: criteria provided, single submitter. Criteria: LabCorp Variant Classification Summary - May 2015. Collection method: clinical testing. Allele origin: germline.
Comment: Variant summary: CAV3 c.40G>A (p.Val14Ile) results in a conservative amino acid change in the encoded protein sequence. Five of five in-silico tools predict a benign effect of the variant on protein function. The variant allele was found at a frequency of 0.00043 in 251318 control chromosomes, predominantly at a frequency of 0.003 within the African or African-American subpopulation in the gnomAD database. The observed variant frequency within African or African-American control individuals in the gnomAD database is approximately 120 fold of the estimated maximal expected allele frequency for a pathogenic variant in CAV3 causing Cardiomyopathy phenotype (2.5e-05), strongly suggesting that the variant is a benign polymorphism found primarily in populations of African or African-American origin. The variant, c.40G>A, has been reported in the literature in individuals with exercise intolerance and rhabdomyolysis, LQTS, HCM or dysferlinopathy (Scalco_2016, Ghouse_2015, Lopes_2015, Izumi_2015). The patient diagnosed with dyserflinopathy also carried another likely pathogenic DYSF variant, c.1667C>T (p.L556P)(Izumi_2005). One publication, Scalco_2016, reports that immunohistochemistry indicated Caveolin-3 was normal but western blot showed expression level of Caeolin-3 was decreased. Four ClinVar submissions from clinical diagnostic laboratories (evaluation after 2014) cites the variant three times as likely benign and once as uncertain significance. Based on the evidence outlined above, the variant was classified as benign.

Ambry Genetics
Classification: Likely benign for Cardiovascular phenotype. Last evaluated: 2018-12-18. Review status: criteria provided, single submitter. Criteria: Ambry Variant Classification Scheme 2023. Collection method: clinical testing. Allele origin: germline.

Eurofins Ntd Llc (ga)
Classification: Uncertain significance. Last evaluated: 2017-03-08. Review status: criteria provided, single submitter. Criteria: EGL Classification Definitions 2015. Collection method: clinical testing. Allele origin: germline. Observed: 2 variant alleles, 2 heterozygotes.

Laboratory for Molecular Medicine, Mass General Brigham Personalized Medicine
Classification: Likely benign. Last evaluated: 2014-05-15. Review status: criteria provided, single submitter. Criteria: LMM Criteria. Collection method: clinical testing. Allele origin: germline. Observed: 1 variant allele.
Comment: Val14Ile in exon 1 of CAV3: This variant is not expected to have clinical signif icance because it has been identified in 0.3% (14/4406) of African American chro mosomes by the NHLBI Exome Sequencing Project (dbSNP rs121909281). In addition, this variant is not conserved in mammals and of note, multiple mammals have an isoleucine (Ile) at this position despite hig h nearby amino acid conservation.

Literature cited by the submitters: PubMed 25351510 (cited by 3 submitters); PubMed 26159999 (cited by 3 submitters); PubMed 27066573 (cited by 3 submitters); PubMed 27312022 (cited by 3 submitters).